The following is an entry in ClinVar:

NM_000532.5(PCCB):c.737G>A (p.Gly246Asp)

Gene: PCCB (propionyl-CoA carboxylase subunit beta; plus strand). Cytogenetic location: 3q22.3.
Variant type: single nucleotide variant.
Coding change: c.737G>A on transcript NM_000532.5 (MANE Select); coding-DNA position 737, G replaced by A.
Protein change: p.Gly246Asp; replaces glycine 246 with aspartic acid.
Molecular consequence: missense variant.
Genome position (GRCh38, 1-based): chr3:136,293,838, G>A. VCF-style: chr3-136293838-G-A. GRCh37 (hg19) VCF-style: chr3-136012680-G-A.
Other names: c.797G>A, p.Gly266Asp (NM_001178014.2); short protein forms G246D, G266D.
Identifiers: ClinVar variation 2915055 (VCV002915055.3), dbSNP rs2108197348, ClinGen allele CA354643686.

ClinVar aggregate classification (germline): Likely pathogenic (1 of 4 stars; one submission).

Conditions:
Propionic acidemia (PROP). Also called: GLYCINEMIA, KETOTIC; HYPERGLYCINEMIA WITH KETOACIDOSIS AND LEUKOPENIA; KETOTIC HYPERGLYCINEMIA. Identifiers: Orphanet 35, MedGen C0268579, MONDO:0011628, OMIM 606054, HP:0003571.

Submission:

Labcorp Genetics (formerly Invitae), Labcorp
Classification: Likely pathogenic for Propionic acidemia. Last evaluated: 2023-08-23. Review status: criteria provided, single submitter. Criteria: Invitae Variant Classification Sherloc (09022015). Collection method: clinical testing. Allele origin: germline.
Comment: This sequence change replaces glycine, which is neutral and non-polar, with aspartic acid, which is acidic and polar, at codon 246 of the PCCB protein (p.Gly246Asp). This variant is not present in population databases (gnomAD no frequency). This variant has not been reported in the literature in individuals affected with PCCB-related conditions. Advanced modeling of protein sequence and biophysical properties (such as structural, functional, and spatial information, amino acid conservation, physicochemical variation, residue mobility, and thermodynamic stability) performed at Invitae indicates that this missense variant is expected to disrupt PCCB protein function. This variant disrupts the p.Gly246 amino acid residue in PCCB. Other variant(s) that disrupt this residue have been determined to be pathogenic (PMID: 12559849, 15949719, 21125326; Invitae). This suggests that this residue is clinically significant, and that variants that disrupt this residue are likely to be disease-causing. In summary, the currently available evidence indicates that the variant is pathogenic, but additional data are needed to prove that conclusively. Therefore, this variant has been classified as Likely Pathogenic.

Literature cited by the submitters: PubMed 12559849; PubMed 15949719; PubMed 21125326.